The following is an entry in ClinVar:

ClinVar aggregate classification (germline): Uncertain significance (1 of 4 stars; one submission).

gnomAD v4.1: 3 of 1,614,126 alleles (0.00019%); highest among the groups gnomAD compares: Non-Finnish European, 0.00025%; no homozygotes.

Submission:

GeneDx
Classification: Uncertain significance. Last evaluated: 2026-01-22. Review status: criteria provided, single submitter. Criteria: GeneDx Variant Classification Process June 2021. Collection method: clinical testing. Allele origin: germline.
Comment: Not observed at significant frequency in large population cohorts (gnomAD); In silico analysis suggests that this missense variant does not alter protein structure/function; Has not been previously published as pathogenic or benign to our knowledge

NM_018489.3(ASH1L):c.1564C>G (p.Gln522Glu)

Gene: ASH1L (ASH1 like histone lysine methyltransferase; minus strand). Cytogenetic location: 1q22.
Variant type: single nucleotide variant.
Coding change: c.1564C>G on transcript NM_018489.3 (MANE Select); coding-DNA position 1564, C replaced by G.
Protein change: p.Gln522Glu; replaces glutamine 522 with glutamic acid.
Molecular consequence: missense variant.
Genome position (GRCh38, 1-based): chr1:155,481,306, G>C on the plus strand (C>G on the coding strand, the complement: ASH1L is on the minus strand). VCF-style: chr1-155481306-G-C. GRCh37 (hg19) VCF-style: chr1-155451097-G-C.
Other names: c.1564C>G, p.Gln522Glu (NM_001366177.2); short protein forms Q522E.
Identifiers: ClinVar variation 4975403 (VCV004975403.1).